The following is an entry in ClinVar:

NM_033028.5(BBS4):c.865-3_865-2del

Gene: BBS4 (Bardet-Biedl syndrome 4; plus strand). Cytogenetic location: 15q24.1.
Variant type: Deletion.
Coding change: c.865-3_865-2del on transcript NM_033028.5 (MANE Select); 3 bases into the intron before coding-DNA position 865 through the canonical splice acceptor site of the intron before coding-DNA position 865, 2 bases deleted (TA; older notation c.865-3_865-2delTA).
Molecular consequence: splice acceptor variant.
Genome position (GRCh38, 1-based): chr15:72,731,552-72,731,553, TA deleted; deleting any 2 consecutive bases within chr15:72,731,551-72,731,553 gives the same sequence; the c. name uses the placement nearest the transcript's 3' end. VCF-style (leftmost placement, unchanged base first): chr15-72731550-CAT-C. GRCh37 (hg19) VCF-style: chr15-73023891-CAT-C.
Other names: c.796-3_796-2del (NM_001320665.2); c.349-3_349-2del (NM_001252678.2).
Identifiers: ClinVar variation 2704442 (VCV002704442.3), dbSNP rs2542998198, ClinGen allele CA2697549176.

ClinVar aggregate classification (germline): Likely pathogenic (1 of 4 stars; one submission).

Conditions:
Bardet-Biedl syndrome (BBS). Identifiers: Orphanet 110, MedGen C0752166, MONDO:0015229.

Submission:

Labcorp Genetics (formerly Invitae), Labcorp
Classification: Likely pathogenic for Bardet-Biedl syndrome. Last evaluated: 2023-12-20. Review status: criteria provided, single submitter. Criteria: Invitae Variant Classification Sherloc (09022015). Collection method: clinical testing. Allele origin: germline.
Comment: This sequence change affects a splice site in intron 11 of the BBS4 gene. It is expected to disrupt RNA splicing. Variants that disrupt the donor or acceptor splice site typically lead to a loss of protein function (PMID: 16199547), and loss-of-function variants in BBS4 are known to be pathogenic (PMID: 11381270, 12016587, 20177705, 27894351). This variant is not present in population databases (gnomAD no frequency). This variant has not been reported in the literature in individuals affected with BBS4-related conditions. In summary, the currently available evidence indicates that the variant is pathogenic, but additional data are needed to prove that conclusively. Therefore, this variant has been classified as Likely Pathogenic.

Literature cited by the submitters: PubMed 16199547; PubMed 11381270; PubMed 12016587; PubMed 20177705; PubMed 27894351.